The following is an entry in ClinVar:

ClinVar aggregate classification (germline): Pathogenic (1 of 4 stars; one submission).

Submission:

Labcorp Genetics (formerly Invitae), Labcorp
Classification: Pathogenic. Last evaluated: 2025-04-13. Review status: criteria provided, single submitter. Criteria: Invitae Variant Classification Sherloc (09022015). Collection method: clinical testing. Allele origin: germline.
Comment: This sequence change creates a premature translational stop signal (p.Lys288Argfs*11) in the IFT81 gene. It is expected to result in an absent or disrupted protein product. Loss-of-function variants in IFT81 are known to be pathogenic (PMID: 26275418, 27666822). This variant is present in population databases (rs767562148, gnomAD 0.001%). This variant has not been reported in the literature in individuals affected with IFT81-related conditions. Algorithms developed to predict the effect of sequence changes on RNA splicing suggest that this variant may disrupt the consensus splice site. For these reasons, this variant has been classified as Pathogenic.

Literature cited by the submitters: PubMed 26275418; PubMed 27666822.

NM_014055.4(IFT81):c.863del (p.Lys288fs)

Gene: IFT81 (intraflagellar transport 81; plus strand). Cytogenetic location: 12q24.11.
Variant type: Deletion.
Coding change: c.863del on transcript NM_014055.4 (MANE Select); coding-DNA position 863, one base deleted (A; older notation c.863delA).
Protein change: p.Lys288fs; shifts the reading frame from lysine 288.
Molecular consequence: frameshift variant. On other transcripts: non-coding transcript variant (3), intron variant (2).
Genome position (GRCh38, 1-based): chr12:110,143,463, A deleted; the last of 2 consecutive A bases (chr12:110,143,462-110,143,463); deleting either gives the same sequence. VCF-style (leftmost placement, unchanged base first): chr12-110143461-TA-T. GRCh37 (hg19) VCF-style: chr12-110581266-TA-T.
Other names: c.863del, p.Lys288fs (NM_001143779.2, NM_001347946.2, NM_031473.4); c.16-3490del (NM_001347948.2, NM_001347947.2); short protein forms K288fs.
Identifiers: ClinVar variation 4770678 (VCV004770678.1).